The following is an entry in ClinVar:

NM_002055.5(GFAP):c.695C>A (p.Thr232Asn)

Gene: GFAP (glial fibrillary acidic protein; minus strand). Cytogenetic location: 17q21.31.
Variant type: single nucleotide variant.
Coding change: c.695C>A on transcript NM_002055.5 (MANE Select); coding-DNA position 695, C replaced by A.
Protein change: p.Thr232Asn; replaces threonine 232 with asparagine.
Molecular consequence: missense variant.
Genome position (GRCh38, 1-based): chr17:44,913,354, G>T on the plus strand (C>A on the coding strand, the complement: GFAP is on the minus strand). VCF-style: chr17-44913354-G-T. GRCh37 (hg19) VCF-style: chr17-42990722-G-T.
Other names: c.695C>A, p.Thr232Asn (NM_001131019.3, NM_001242376.3, NM_001363846.2); short protein forms T232N.
Identifiers: ClinVar variation 3372487 (VCV003372487.1).

ClinVar aggregate classification (germline): Uncertain significance (1 of 4 stars; one submission).

Submission:

GeneDx
Classification: Uncertain significance. Last evaluated: 2024-04-16. Review status: criteria provided, single submitter. Criteria: GeneDx Variant Classification Process June 2021. Collection method: clinical testing. Allele origin: germline. Affected: yes.
Comment: Not observed at significant frequency in large population cohorts (gnomAD); In silico analysis supports that this missense variant has a deleterious effect on protein structure/function; Has not been previously published as pathogenic or benign to our knowledge